The following is an entry in ClinVar:

ClinVar aggregate classification (germline): Uncertain significance. Review status: criteria provided, multiple submitters, no conflicts (2 of 4 stars). 2 submissions from 2 submitters: Uncertain significance (2). Last evaluated 2025-08-05.

Conditions:
Hereditary cancer-predisposing syndrome. Also called: Tumor predisposition; Hereditary Cancer Syndrome; Hereditary neoplastic syndrome; Neoplastic Syndromes, Hereditary. Identifiers: Orphanet 140162, MedGen C0027672, MeSH D009386, MONDO:0015356.
Pheochromocytoma. Also called: MAX-Related Hereditary Paraganglioma-Pheochromocytoma Syndrome. Identifiers: Orphanet 29072, MedGen C0031511, MONDO:0008233, OMIM 171300, HP:0002666.
Cowden syndrome 3 (CWS3). Identifiers: Orphanet 201, MedGen CN166604, MONDO:0014045.
Carney-Stratakis syndrome. Also called: PARAGANGLIOMA AND GASTROINTESTINAL STROMAL TUMOR. Identifiers: Orphanet 97286, MedGen C1847319, MONDO:0011740, OMIM 606864.
Paragangliomas with sensorineural hearing loss. Identifiers: MedGen C1868633.

Allele frequency attached by ClinVar (database versions not stated): gnomAD exomes below 0.00001.

Submissions (2):

Labcorp Genetics (formerly Invitae), Labcorp
Classification: Uncertain significance for Carney-Stratakis syndrome; Paragangliomas with sensorineural hearing loss; Pheochromocytoma; Cowden syndrome 3. Last evaluated: 2025-08-05. Review status: criteria provided, single submitter. Criteria: Invitae Variant Classification Sherloc (09022015). Collection method: clinical testing. Allele origin: germline.
Comment: This sequence change replaces arginine, which is basic and polar, with glutamine, which is neutral and polar, at codon 22 of the SDHD protein (p.Arg22Gln). This variant is not present in population databases (gnomAD no frequency). This variant has not been reported in the literature in individuals affected with SDHD-related conditions. ClinVar contains an entry for this variant (Variation ID: 486444). Invitae Evidence Modeling of protein sequence and biophysical properties (such as structural, functional, and spatial information, amino acid conservation, physicochemical variation, residue mobility, and thermodynamic stability) indicates that this missense variant is not expected to disrupt SDHD protein function with a negative predictive value of 95%. Algorithms developed to predict the effect of sequence changes on RNA splicing suggest that this variant may disrupt the consensus splice site. In summary, the available evidence is currently insufficient to determine the role of this variant in disease. Therefore, it has been classified as a Variant of Uncertain Significance.

Ambry Genetics
Classification: Uncertain significance for Hereditary cancer-predisposing syndrome. Last evaluated: 2024-05-10. Review status: criteria provided, single submitter. Criteria: Ambry Variant Classification Scheme 2023. Collection method: clinical testing. Allele origin: germline.
Comment: The p.R22Q variant (also known as c.65G>A), located in coding exon 2 of the SDHD gene, results from a G to A substitution at nucleotide position 65. The arginine at codon 22 is replaced by glutamine, an amino acid with highly similar properties. This amino acid position is not well conserved in available vertebrate species. In addition, the in silico prediction for this alteration is inconclusive. Based on the available evidence, the clinical significance of this variant remains unclear.

NM_003002.4(SDHD):c.65G>A (p.Arg22Gln)

Gene: SDHD (succinate dehydrogenase complex subunit D; plus strand). Cytogenetic location: 11q23.1.
Variant type: single nucleotide variant.
Coding change: c.65G>A on transcript NM_003002.4 (MANE Select); coding-DNA position 65, G replaced by A.
Protein change: p.Arg22Gln; replaces arginine 22 with glutamine.
Molecular consequence: missense variant. On other transcripts: non-coding transcript variant (1), intron variant (1).
Genome position (GRCh38, 1-based): chr11:112,087,869, G>A. VCF-style: chr11-112087869-G-A. GRCh37 (hg19) VCF-style: chr11-111958593-G-A.
Other names: c.65G>A, p.Arg22Gln (NM_001276503.2, NM_001276506.2); c.52+910G>A (NM_001276504.2); short protein forms R22Q.
Identifiers: ClinVar variation 486444 (VCV000486444.14), dbSNP rs1555186772, ClinGen allele CA382616925.